The following is an entry in ClinVar:

ClinVar aggregate classification (germline): Uncertain significance. Review status: criteria provided, multiple submitters, no conflicts (2 of 4 stars). 2 submissions from 2 submitters: Uncertain significance (2). Last evaluated 2025-11-19.

Conditions:
Autosomal dominant limb-girdle muscular dystrophy type 1G (LGMDD3). Also called: MUSCULAR DYSTROPHY, LIMB-GIRDLE, AUTOSOMAL DOMINANT 3; Limb-girdle muscular dystrophy, type 1G. Identifiers: Orphanet 55596, MedGen C1836765, MONDO:0012193, OMIM 609115.

Allele frequency attached by ClinVar (database versions not stated): TOPMed 0.00001.
gnomAD v4.1: 33 of 1,378,182 alleles (0.0024%); highest among the groups gnomAD compares: Non-Finnish European, 0.0031%; no homozygotes.

Submissions (2):

Labcorp Genetics (formerly Invitae), Labcorp
Classification: Uncertain significance for Autosomal dominant limb-girdle muscular dystrophy type 1G. Last evaluated: 2025-11-19. Review status: criteria provided, single submitter. Criteria: Invitae Variant Classification Sherloc (09022015). Collection method: clinical testing. Allele origin: germline.
Comment: This sequence change replaces proline, which is neutral and non-polar, with leucine, which is neutral and non-polar, at codon 34 of the HNRNPDL protein (p.Pro34Leu). This variant is not present in population databases (gnomAD no frequency). This variant has not been reported in the literature in individuals affected with HNRNPDL-related conditions. ClinVar contains an entry for this variant (Variation ID: 1377434). An algorithm developed to predict the effect of missense changes on protein structure and function (PolyPhen-2) suggests that this variant is likely to be tolerated. In summary, the available evidence is currently insufficient to determine the role of this variant in disease. Therefore, it has been classified as a Variant of Uncertain Significance.

Ambry Genetics
Classification: Uncertain significance. Last evaluated: 2022-10-03. Review status: criteria provided, single submitter. Criteria: Ambry Variant Classification Scheme 2023. Collection method: clinical testing. Allele origin: germline.

NM_031372.4(HNRNPDL):c.101C>T (p.Pro34Leu)

Gene: HNRNPDL (heterogeneous nuclear ribonucleoprotein D like; minus strand). Cytogenetic location: 4q21.22.
Variant type: single nucleotide variant.
Coding change: c.101C>T on transcript NM_031372.4 (MANE Select); coding-DNA position 101, C replaced by T.
Protein change: p.Pro34Leu; replaces proline 34 with leucine.
Molecular consequence: missense variant. On other transcripts: non-coding transcript variant (1).
Genome position (GRCh38, 1-based): chr4:82,429,590, G>A on the plus strand (C>T on the coding strand, the complement: HNRNPDL is on the minus strand). VCF-style: chr4-82429590-G-A. GRCh37 (hg19) VCF-style: chr4-83350743-G-A.
Other names: c.101C>T, p.Pro34Leu (NM_001207000.1); c.101C>T (NM_031372.3); short protein forms P34L.
Identifiers: ClinVar variation 1377434 (VCV001377434.9), dbSNP rs988355917, ClinGen allele CA357173597.